The following is an entry in ClinVar:

ClinVar aggregate classification (germline): Conflicting classifications of pathogenicity. Review status: criteria provided, conflicting classifications (1 of 4 stars). 2 submissions from 1 submitter: Uncertain significance (1); Likely benign (1). Last evaluated 2018-01-13.

Conditions:
Dilated cardiomyopathy 1U. Identifiers: Orphanet 154, MedGen C3160720, MONDO:0013371, OMIM 613694.
Alzheimer disease 3 (AD3). Also called: ALZHEIMER DISEASE, FAMILIAL, 3. Identifiers: Orphanet 1020, MedGen C1843013, MONDO:0011913, OMIM 607822.

Allele frequency attached by ClinVar (database versions not stated): 1000 Genomes Project 0.00040; 1000 Genomes Project 30x 0.00062; gnomAD 0.00127 and 0.00137; TOPMed 0.00153.

Submissions (2):

Illumina Laboratory Services, Illumina
Classification: Likely benign for Alzheimer disease 3. Last evaluated: 2018-01-13. Review status: criteria provided, single submitter. Criteria: ICSL Variant Classification Criteria 13 December 2019. Collection method: clinical testing. Allele origin: germline.
Comment: This variant was observed in the ICSL laboratory as part of a predisposition screen in an ostensibly healthy population. It had not been previously curated by ICSL or reported in the Human Gene Mutation Database (HGMD: prior to June 1st, 2018), and was therefore a candidate for classification through an automated scoring system. Utilizing variant allele frequency, disease prevalence and penetrance estimates, and inheritance mode, an automated score was calculated to assess if this variant is too frequent to cause the disease. Based on the score and internal cut-off values, a variant classified as likely benign is not then subjected to further curation. The score for this variant resulted in a classification of likely benign for this disease.

Illumina Laboratory Services, Illumina
Classification: Uncertain significance for Dilated cardiomyopathy 1U. Last evaluated: 2018-01-13. Review status: criteria provided, single submitter. Criteria: ICSL Variant Classification Criteria 13 December 2019. Collection method: clinical testing. Allele origin: germline.

NM_000021.4(PSEN1):c.*3508G>A

Gene: PSEN1 (presenilin 1; plus strand). Cytogenetic location: 14q24.2.
Variant type: single nucleotide variant.
Coding change: c.*3508G>A on transcript NM_000021.4 (MANE Select); 3508 bases downstream of the stop codon, G replaced by A.
Molecular consequence: 3 prime UTR variant.
Genome position (GRCh38, 1-based): chr14:73,222,797, G>A. VCF-style: chr14-73222797-G-A. GRCh37 (hg19) VCF-style: chr14-73689505-G-A.
Other names: c.*3508G>A (NM_007318.3).
Identifiers: ClinVar variation 885669 (VCV000885669.4), dbSNP rs150550252, ClinGen allele CA262622331.